The following is an entry in ClinVar:

ClinVar aggregate classification (germline): Uncertain significance (1 of 4 stars; one submission).

Allele frequency attached by ClinVar (database versions not stated): gnomAD exomes below 0.00001 and 0.00001.
gnomAD v4.1: 2 of 1,588,028 alleles (0.00013%); highest among the groups gnomAD compares: East Asian, 0.0023%; no homozygotes.

Submission:

Labcorp Genetics (formerly Invitae), Labcorp
Classification: Uncertain significance. Last evaluated: 2022-09-01. Review status: criteria provided, single submitter. Criteria: Invitae Variant Classification Sherloc (09022015). Collection method: clinical testing. Allele origin: germline.
Comment: In summary, the available evidence is currently insufficient to determine the role of this variant in disease. Therefore, it has been classified as a Variant of Uncertain Significance. Algorithms developed to predict the effect of missense changes on protein structure and function are either unavailable or do not agree on the potential impact of this missense change (SIFT: "Not Available"; PolyPhen-2: "Possibly Damaging"; Align-GVGD: "Not Available"). ClinVar contains an entry for this variant (Variation ID: 1491169). This variant has not been reported in the literature in individuals affected with CEP250-related conditions. This variant is present in population databases (rs758974009, gnomAD 0.007%). This sequence change replaces alanine, which is neutral and non-polar, with serine, which is neutral and polar, at codon 1975 of the CEP250 protein (p.Ala1975Ser).

NM_007186.6(CEP250):c.5923G>T (p.Ala1975Ser)

Gene: CEP250 (centrosomal protein 250; plus strand). Cytogenetic location: 20q11.22.
Variant type: single nucleotide variant.
Coding change: c.5923G>T on transcript NM_007186.6 (MANE Select); coding-DNA position 5923, G replaced by T.
Protein change: p.Ala1975Ser; replaces alanine 1975 with serine.
Molecular consequence: missense variant.
Genome position (GRCh38, 1-based): chr20:35,504,292, G>T. VCF-style: chr20-35504292-G-T. GRCh37 (hg19) VCF-style: chr20-34092120-G-T.
Other names: c.4027G>T, p.Ala1343Ser (NM_001318219.1); short protein forms A1975S, A1343S.
Identifiers: ClinVar variation 1491169 (VCV001491169.6), dbSNP rs758974009, ClinGen allele CA9833965.